The following is an entry in ClinVar:

NM_000178.4(GSS):c.1379G>T (p.Gly460Val)

Gene: GSS (glutathione synthetase; minus strand). Cytogenetic location: 20q11.22.
Variant type: single nucleotide variant.
Coding change: c.1379G>T on transcript NM_000178.4 (MANE Select); coding-DNA position 1379, G replaced by T.
Protein change: p.Gly460Val; replaces glycine 460 with valine.
Molecular consequence: missense variant.
Genome position (GRCh38, 1-based): chr20:34,928,874, C>A on the plus strand (G>T on the coding strand, the complement: GSS is on the minus strand). VCF-style: chr20-34928874-C-A. GRCh37 (hg19) VCF-style: chr20-33516677-C-A.
Other names: c.1379G>T, p.Gly460Val (NM_001322494.1, NM_001322495.1); short protein forms G460V.
Identifiers: ClinVar variation 4812110 (VCV004812110.1).

ClinVar aggregate classification (germline): Uncertain significance (1 of 4 stars; one submission).

Conditions:
Glutathione synthetase deficiency with 5-oxoprolinuria. Also called: PYROGLUTAMIC ACIDURIA; 5-OXOPROLINURIA DUE TO GLUTATHIONE SYNTHETASE DEFICIENCY; Reduced glutathione synthetase level; 5-Oxoprolinuria; Gluthathione synthetase deficiency. Identifiers: Orphanet 289846, MedGen C0398746, MONDO:0009947, OMIM 266130, HP:0003343.

gnomAD v4.1: 1 of 1,614,026 alleles (0.000062%); highest among the groups gnomAD compares: Non-Finnish European, 0.000085%; no homozygotes.

Submission:

Labcorp Genetics (formerly Invitae), Labcorp
Classification: Uncertain significance for Glutathione synthetase deficiency with 5-oxoprolinuria. Last evaluated: 2025-03-20. Review status: criteria provided, single submitter. Criteria: Invitae Variant Classification Sherloc (09022015). Collection method: clinical testing. Allele origin: germline.
Comment: This sequence change replaces glycine, which is neutral and non-polar, with valine, which is neutral and non-polar, at codon 460 of the GSS protein (p.Gly460Val). This variant is not present in population databases (gnomAD no frequency). This variant has not been reported in the literature in individuals affected with GSS-related conditions. Invitae Evidence Modeling of protein sequence and biophysical properties (such as structural, functional, and spatial information, amino acid conservation, physicochemical variation, residue mobility, and thermodynamic stability) indicates that this missense variant is expected to disrupt GSS protein function with a positive predictive value of 80%. In summary, the available evidence is currently insufficient to determine the role of this variant in disease. Therefore, it has been classified as a Variant of Uncertain Significance.